The following is an entry in ClinVar:

NM_000503.6(EYA1):c.35G>A (p.Arg12His)

Gene: EYA1 (EYA transcriptional coactivator and phosphatase 1; minus strand). Cytogenetic location: 8q13.3.
Variant type: single nucleotide variant.
Coding change: c.35G>A on transcript NM_000503.6 (MANE Select); coding-DNA position 35, G replaced by A.
Protein change: p.Arg12His; replaces arginine 12 with histidine.
Molecular consequence: missense variant. On other transcripts: 5 prime UTR variant (1).
Genome position (GRCh38, 1-based): chr8:71,354,871, C>T on the plus strand (G>A on the coding strand, the complement: EYA1 is on the minus strand). VCF-style: chr8-71354871-C-T. GRCh37 (hg19) VCF-style: chr8-72267106-C-T.
Other names: c.35G>A, p.Arg12His (NM_001288574.2, NM_001370334.1, NM_001370335.1 and 1 more transcripts); c.-250G>A (NM_001288575.2); c.122G>A, p.Arg41His (NM_001370333.1, NM_001370336.1, NM_172059.5); c.35G>A (NM_172058.3); short protein forms R41H, R12H.
Identifiers: ClinVar variation 667048 (VCV000667048.16), dbSNP rs74720958, ClinGen allele CA4779938.

ClinVar aggregate classification (germline): Conflicting classifications of pathogenicity. Review status: criteria provided, conflicting classifications (1 of 4 stars). 4 submissions from 4 submitters: Uncertain significance (1); Benign (2). 1 of the submissions does not count toward it. Last evaluated 2026-01-15.

Conditions:
Melnick-Fraser syndrome (BOR). Also called: Branchiootorenal Syndrome (BORS); Branchiootorenal syndrome; Branchio-oto-renal syndrome. Identifiers: Orphanet 107, MedGen C0265234, MONDO:0007029.
Otofaciocervical syndrome 1 (OTFCS). Identifiers: MedGen C3714941, MONDO:0024532, OMIM 166780.
EYA1-related disorder. Also called: EYA1-related condition.

Allele frequency attached by ClinVar (database versions not stated): ESP Exome Variant Server 0.00008; 1000 Genomes Project 0.00020; 1000 Genomes Project 30x 0.00031; gnomAD 0.00035; TOPMed 0.00041.
gnomAD v4.1: 578 of 1,613,614 alleles (0.036%); highest among the groups gnomAD compares: African/African-American, 0.045%; no homozygotes.

Submissions (4):

Labcorp Genetics (formerly Invitae), Labcorp
Classification: Benign for Melnick-Fraser syndrome. Last evaluated: 2026-01-15. Review status: criteria provided, single submitter. Criteria: Invitae Variant Classification Sherloc (09022015). Collection method: clinical testing. Allele origin: germline.

Centre for Mendelian Genomics, University Medical Centre Ljubljana
Classification: Uncertain significance for Otofaciocervical syndrome 1. Last evaluated: 2019-02-25. Review status: criteria provided, single submitter. Criteria: ACMG Guidelines, 2015. Collection method: clinical testing. Allele origin: unknown. Affected: yes.
Comment: This variant was classified as: Uncertain significance. The available evidence on this variant's pathogenicity is insufficient or conflicting. The following ACMG criteria were applied in classifying this variant: PP3.

Laboratory for Molecular Medicine, Mass General Brigham Personalized Medicine
Classification: Benign. Last evaluated: 2018-09-13. Review status: criteria provided, single submitter. Criteria: LMM Criteria. Collection method: clinical testing. Allele origin: germline. Observed: 1 variant allele.
Comment: The p.Arg12His variant in EYA1 is classified as benign because it has been ident ified in 0.07% (14/18868) of East Asian chromosomes and 0.03% (38/126718) of Eur opean chromosomes, including one homozygote, by the Genome Aggregation Database (gnomAD). Furthermore, arginine (Arg) at posit ion 12 is not conserved in mammals or evolutionarily distant species and 3 mamma ls (chinchilla, brush-tailed rat, and pig) carry a histidine (His) at this posit ion. ACMG/AMP Criteria applied: BS1, BP4_Strong.

PreventionGenetics, part of Exact Sciences
Classification: Likely benign for EYA1-related condition. Last evaluated: 2023-05-31. Review status: no assertion criteria provided. Collection method: clinical testing. Allele origin: germline. Not counted in ClinVar's aggregate classification.
Comment: This variant is classified as likely benign based on ACMG/AMP sequence variant interpretation guidelines (Richards et al. 2015 PMID: 25741868, with internal and published modifications).

Literature cited by the submitters: PubMed 26310487 (cited by Laboratory for Molecular Medicine, Mass General Brigham Personalized Medicine).